The following is an entry in ClinVar:

ClinVar aggregate classification (germline): Uncertain significance (1 of 4 stars; one submission).

Conditions:
Inborn genetic diseases. Identifiers: MedGen C0950123, MeSH D030342.

Submission:

Ambry Genetics
Classification: Uncertain significance for Inborn genetic diseases. Last evaluated: 2024-12-14. Review status: criteria provided, single submitter. Criteria: Ambry Variant Classification Scheme 2023. Collection method: clinical testing. Allele origin: germline.
Comment: The p.N172K variant (also known as c.516C>A), located in coding exon 5 of the ETV6 gene, results from a C to A substitution at nucleotide position 516. The asparagine at codon 172 is replaced by lysine, an amino acid with similar properties. This amino acid position is conserved. In addition, this alteration is predicted to be tolerated by in silico analysis. Based on the available evidence, the clinical significance of this variant remains unclear.

NM_001987.5(ETV6):c.516C>A (p.Asn172Lys)

Gene: ETV6 (ETS variant transcription factor 6; plus strand). Cytogenetic location: 12p13.2.
Variant type: single nucleotide variant.
Coding change: c.516C>A on transcript NM_001987.5 (MANE Select); coding-DNA position 516, C replaced by A.
Protein change: p.Asn172Lys; replaces asparagine 172 with lysine.
Molecular consequence: missense variant.
Genome position (GRCh38, 1-based): chr12:11,869,476, C>A. VCF-style: chr12-11869476-C-A. GRCh37 (hg19) VCF-style: chr12-12022410-C-A.
Other names: c.513C>A, p.Asn171Lys (NM_001413913.1); c.489C>A, p.Asn163Lys (NM_001413914.1); c.252C>A, p.Asn84Lys (NM_001413915.1); c.516C>A, p.Asn172Lys (NM_001413916.1, NM_001413917.1); short protein forms N163K, N171K, N172K, N84K.
Identifiers: ClinVar variation 3846476 (VCV003846476.1).